The following is an entry in ClinVar:

NM_001199138.2(NLRC4):c.2828A>G (p.Asn943Ser)

Gene: NLRC4 (NLR family CARD domain containing 4; minus strand). Cytogenetic location: 2p22.3.
Variant type: single nucleotide variant.
Coding change: c.2828A>G on transcript NM_001199138.2 (MANE Select); coding-DNA position 2828, A replaced by G.
Protein change: p.Asn943Ser; replaces asparagine 943 with serine.
Molecular consequence: missense variant.
Genome position (GRCh38, 1-based): chr2:32,224,720, T>C on the plus strand (A>G on the coding strand, the complement: NLRC4 is on the minus strand). VCF-style: chr2-32224720-T-C. GRCh37 (hg19) VCF-style: chr2-32449789-T-C.
Other names: c.2828A>G, p.Asn943Ser (NM_001199139.2, NM_021209.5); c.833A>G, p.Asn278Ser (NM_001302504.2); short protein forms N278S, N943S.
Identifiers: ClinVar variation 2937892 (VCV002937892.3), dbSNP rs2148927574, ClinGen allele CA346519528.

ClinVar aggregate classification (germline): Uncertain significance (1 of 4 stars; one submission).

Conditions:
Periodic fever-infantile enterocolitis-autoinflammatory syndrome. Also called: Autoinflammation with infantile enterocolitis. Identifiers: Orphanet 436166, MedGen C4015067, MONDO:0014472, OMIM 616050.
Familial cold autoinflammatory syndrome 4 (FCAS4). Identifiers: Orphanet 47045, Orphanet 576349, MedGen C4015276, MONDO:0014498, OMIM 616115.

gnomAD v4.1: 1 of 1,600,228 alleles (0.000062%); no homozygotes.

Submission:

Labcorp Genetics (formerly Invitae), Labcorp
Classification: Uncertain significance for Periodic fever-infantile enterocolitis-autoinflammatory syndrome; Familial cold autoinflammatory syndrome 4. Last evaluated: 2025-01-28. Review status: criteria provided, single submitter. Criteria: Invitae Variant Classification Sherloc (09022015). Collection method: clinical testing. Allele origin: germline.
Comment: This sequence change replaces asparagine, which is neutral and polar, with serine, which is neutral and polar, at codon 943 of the NLRC4 protein (p.Asn943Ser). This variant is not present in population databases (gnomAD no frequency). This variant has not been reported in the literature in individuals affected with NLRC4-related conditions. ClinVar contains an entry for this variant (Variation ID: 2937892). Invitae Evidence Modeling of protein sequence and biophysical properties (such as structural, functional, and spatial information, amino acid conservation, physicochemical variation, residue mobility, and thermodynamic stability) indicates that this missense variant is not expected to disrupt NLRC4 protein function with a negative predictive value of 80%. In summary, the available evidence is currently insufficient to determine the role of this variant in disease. Therefore, it has been classified as a Variant of Uncertain Significance.